The following is an entry in ClinVar:

ClinVar aggregate classification (germline): Uncertain significance (1 of 4 stars; one submission).

Conditions:
TTC21B-related disorder. Also called: TTC21B-related condition; TTC21B-related disorders.

gnomAD v4.1: 7 of 1,614,180 alleles (0.00043%); highest among the groups gnomAD compares: Non-Finnish European, 0.00059%; no homozygotes.

Submission:

PreventionGenetics, part of Exact Sciences
Classification: Uncertain significance for TTC21B-related condition. Last evaluated: 2025-03-12. Review status: criteria provided, single submitter. Criteria: ACMG Guidelines, 2015. Collection method: clinical testing. Allele origin: germline.
Comment: The TTC21B c.1864G>C variant is predicted to result in the amino acid substitution p.Glu622Gln. To our knowledge, this variant has not been reported in the literature or in a large population database (gnomAD), indicating this variant is rare. At this time, the clinical significance of this variant is uncertain due to the absence of conclusive functional and genetic evidence.

NM_024753.5(TTC21B):c.1864G>C (p.Glu622Gln)

Gene: TTC21B (tetratricopeptide repeat domain 21B; minus strand). Cytogenetic location: 2q24.3.
Variant type: single nucleotide variant.
Coding change: c.1864G>C on transcript NM_024753.5 (MANE Select); coding-DNA position 1864, G replaced by C.
Protein change: p.Glu622Gln; replaces glutamic acid 622 with glutamine.
Molecular consequence: missense variant.
Genome position (GRCh38, 1-based): chr2:165,917,292, C>G on the plus strand (G>C on the coding strand, the complement: TTC21B is on the minus strand). VCF-style: chr2-165917292-C-G. GRCh37 (hg19) VCF-style: chr2-166773802-C-G.
Other names: short protein forms E622Q.
Identifiers: ClinVar variation 4999141 (VCV004999141.1).